The following is an entry in ClinVar:

ClinVar aggregate classification (germline): Uncertain significance. Review status: criteria provided, multiple submitters, no conflicts (2 of 4 stars). 4 submissions from 4 submitters: Uncertain significance (4). Last evaluated 2025-12-10.

Conditions:
Hereditary cancer-predisposing syndrome. Also called: Hereditary neoplastic syndrome; Hereditary Cancer Syndrome; Neoplastic Syndromes, Hereditary; Tumor predisposition. Identifiers: Orphanet 140162, MedGen C0027672, MeSH D009386, MONDO:0015356.
Familial adenomatous polyposis 1 (FAP1). Also called: FAMILIAL ADENOMATOUS POLYPOSIS 1, ATTENUATED; POLYPOSIS, ADENOMATOUS INTESTINAL. Identifiers: MedGen C2713442, MONDO:0021056, OMIM 175100. Disease mechanism: loss of function.

Allele frequency attached by ClinVar (database versions not stated): gnomAD exomes below 0.00001; TOPMed 0.00001.
gnomAD v4.1: 2 of 1,612,384 alleles (0.00012%); highest among the groups gnomAD compares: East Asian, 0.0022%; no homozygotes.

Submissions (4):

Color Diagnostics, LLC DBA Color Health
Classification: Uncertain significance for Hereditary cancer-predisposing syndrome. Last evaluated: 2025-12-10. Review status: criteria provided, single submitter. Criteria: ACMG Guidelines, 2015. Collection method: clinical testing. Allele origin: germline.
Comment: This missense variant replaces valine with methionine at codon 2840 of the APC protein. Computational prediction is inconclusive regarding the impact of this variant on protein structure and function. APC is defined as a gene for which primarily truncating variants are known to cause disease (ClinGen HCCP VCEP). To our knowledge, functional studies have not been reported for this variant. This variant has not been reported in individuals affected with APC-related disorders in the literature. This variant has been identified in 2/1612384 chromosomes in the general population by the Genome Aggregation Database (gnomAD). The available evidence is insufficient to determine the role of this variant in disease conclusively. Therefore, this variant is classified as a Variant of Uncertain Significance.

Labcorp Genetics (formerly Invitae), Labcorp
Classification: Uncertain significance for Familial adenomatous polyposis 1. Last evaluated: 2025-04-03. Review status: criteria provided, single submitter. Criteria: Invitae Variant Classification Sherloc (09022015). Collection method: clinical testing. Allele origin: germline.
Comment: This sequence change replaces valine, which is neutral and non-polar, with methionine, which is neutral and non-polar, at codon 2840 of the APC protein (p.Val2840Met). This variant is not present in population databases (gnomAD no frequency). This variant has not been reported in the literature in individuals affected with APC-related conditions. ClinVar contains an entry for this variant (Variation ID: 236660). Invitae Evidence Modeling of protein sequence and biophysical properties (such as structural, functional, and spatial information, amino acid conservation, physicochemical variation, residue mobility, and thermodynamic stability) indicates that this missense variant is not expected to disrupt APC protein function with a negative predictive value of 95%. In summary, the available evidence is currently insufficient to determine the role of this variant in disease. Therefore, it has been classified as a Variant of Uncertain Significance.

Quest Diagnostics Nichols Institute San Juan Capistrano
Classification: Uncertain significance. Last evaluated: 2024-12-23. Review status: criteria provided, single submitter. Criteria: Quest Diagnostics criteria. Collection method: clinical testing. Allele origin: unknown.
Comment: The APC c.8518G>A (p.Val2840Met) variant has not been reported in individuals with APC-related conditions in the published literature. It also has not been reported in large, multi-ethnic general populations (Genome Aggregation Database). Analysis of this variant using bioinformatics tools for the prediction of the effect of amino acid changes on protein structure and function yielded conflicting predictions that this variant is benign or damaging. Based on the available information, we are unable to determine the clinical significance of this variant.

Ambry Genetics
Classification: Uncertain significance for Hereditary cancer-predisposing syndrome. Last evaluated: 2023-05-10. Review status: criteria provided, single submitter. Criteria: Ambry Variant Classification Scheme 2023. Collection method: clinical testing. Allele origin: germline.
Comment: The p.V2840M variant (also known as c.8518G>A), located in coding exon 15 of the APC gene, results from a G to A substitution at nucleotide position 8518. The valine at codon 2840 is replaced by methionine, an amino acid with highly similar properties. This amino acid position is highly conserved in available vertebrate species. In addition, in silico predictors for this gene do not accurately predict pathogenicity. Since supporting evidence is limited at this time, the clinical significance of this alteration remains unclear.

Literature cited by the submitters: PubMed 36243179 (cited by Quest Diagnostics Nichols Institute San Juan Capistrano).

NM_000038.6(APC):c.8518G>A (p.Val2840Met)

Gene: APC (APC regulator of Wnt signaling pathway; plus strand). Cytogenetic location: 5q22.2.
Variant type: single nucleotide variant.
Coding change: c.8518G>A on transcript NM_000038.6 (MANE Select); coding-DNA position 8518, G replaced by A.
Protein change: p.Val2840Met; replaces valine 2840 with methionine.
Molecular consequence: missense variant.
Genome position (GRCh38, 1-based): chr5:112,844,112, G>A. VCF-style: chr5-112844112-G-A. GRCh37 (hg19) VCF-style: chr5-112179809-G-A.
Other names: c.8518G>A, p.Val2840Met (NM_001127510.3, NM_001354895.2); c.8464G>A, p.Val2822Met (NM_001127511.3); c.8572G>A, p.Val2858Met (NM_001354896.2); c.8548G>A, p.Val2850Met (NM_001354897.2); c.8443G>A, p.Val2815Met (NM_001354898.2); c.8434G>A, p.Val2812Met (NM_001354899.2); c.8395G>A, p.Val2799Met (NM_001354900.2); c.8341G>A, p.Val2781Met (NM_001354901.2); and 5 more; short protein forms V2822M, V2840M, V2739M, V2781M, V2799M, V2557M, V2714M, V2812M.
Identifiers: ClinVar variation 236660 (VCV000236660.17), dbSNP rs878853480, ClinGen allele CA10582348.